The following is an entry in ClinVar:

ClinVar aggregate classification (germline): Pathogenic (1 of 4 stars; one submission).

Conditions:
Deficiency of adenosine deaminase 2. Also called: Polyarteritis nodosa, childhoood-onset; VASCULITIS, AUTOINFLAMMATION, IMMUNODEFICIENCY, AND HEMATOLOGIC DEFECTS SYNDROME; Adenosine Deaminase 2 Deficiency. Identifiers: Orphanet 404553, MedGen C3887654, MONDO:0014306, OMIM 615688, MONDO:0100317.

Submission:

Labcorp Genetics (formerly Invitae), Labcorp
Classification: Pathogenic for Deficiency of adenosine deaminase 2. Last evaluated: 2023-11-27. Review status: criteria provided, single submitter. Criteria: Invitae Variant Classification Sherloc (09022015). Collection method: clinical testing. Allele origin: germline.
Comment: This sequence change affects a donor splice site in intron 5 of the ADA2 gene. It is expected to disrupt RNA splicing. Variants that disrupt the donor or acceptor splice site typically lead to a loss of protein function (PMID: 16199547), and loss-of-function variants in ADA2 are known to be pathogenic (PMID: 24552284, 24552285). This variant is not present in population databases (gnomAD no frequency). Disruption of this splice site has been observed in individual(s) with ADA2 deficiency (PMID: 36472692). ClinVar contains an entry for this variant (Variation ID: 1489090). Studies have shown that disruption of this splice site alters ADA2 gene expression (PMID: 36472692). Algorithms developed to predict the effect of sequence changes on RNA splicing suggest that this variant may disrupt the consensus splice site. For these reasons, this variant has been classified as Pathogenic.

Literature cited by the submitters: PubMed 16199547; PubMed 24552284; PubMed 24552285; PubMed 36472692.

NM_001282225.2(ADA2):c.881+1G>A

Gene: ADA2 (adenosine deaminase 2; minus strand). Cytogenetic location: 22q11.1.
Variant type: single nucleotide variant.
Coding change: c.881+1G>A on transcript NM_001282225.2 (MANE Select); the canonical splice donor site of the intron after coding-DNA position 881, G replaced by A.
Molecular consequence: splice donor variant.
Genome position (GRCh38, 1-based): chr22:17,191,682, C>T on the plus strand (G>A on the coding strand, the complement: ADA2 is on the minus strand). VCF-style: chr22-17191682-C-T. GRCh37 (hg19) VCF-style: chr22-17672572-C-T.
Other names: c.755+1G>A (NM_001282227.2, NM_001282228.2); c.521+1G>A (NM_001282229.2); c.881+1G>A (NM_001282226.2); c.158+1G>A (NM_177405.3).
Identifiers: ClinVar variation 1489090 (VCV001489090.8), dbSNP rs2123651193, ClinGen allele CA410225205.
Genomic context (GRCh38, chr22:17,191,682, plus strand): 5'-TAGTAGCTCTGCCTGCATCCCAGCCTCCCAACCCGAGCTTTTCAGCAATATTCTCTCTCA[C>T]CTGTGATCCGAATAAATGATTTTGATTCCAATAAACTCAGGGTGAGTTTCCACAAACTTC-3'